The following is an entry in ClinVar:

ClinVar aggregate classification (germline): Uncertain significance (1 of 4 stars; one submission).

Submission:

Labcorp Genetics (formerly Invitae), Labcorp
Classification: Uncertain significance. Last evaluated: 2023-12-18. Review status: criteria provided, single submitter. Criteria: Invitae Variant Classification Sherloc (09022015). Collection method: clinical testing. Allele origin: germline.
Comment: This variant, c.1436_1438del, results in the deletion of 1 amino acid(s) of the HPS6 protein (p.Glu479del), but otherwise preserves the integrity of the reading frame. This variant is present in population databases (rs776443117, gnomAD 0.003%). This variant has not been reported in the literature in individuals affected with HPS6-related conditions. Experimental studies and prediction algorithms are not available or were not evaluated, and the functional significance of this variant is currently unknown. In summary, the available evidence is currently insufficient to determine the role of this variant in disease. Therefore, it has been classified as a Variant of Uncertain Significance.

NM_024747.6(HPS6):c.1433AGG[1] (p.Glu479del)

Gene: HPS6 (HPS6 biogenesis of lysosomal organelles complex 2 subunit 3; plus strand). Cytogenetic location: 10q24.32.
Variant type: Microsatellite.
Coding change: c.1433AGG[1] on transcript NM_024747.6 (MANE Select); one copy of the 3-base unit AGG starting at c.1433; the reference has two copies in a row; one copy, 3 bases deleted.
Protein change: p.Glu479del; deletes glutamic acid 479.
Molecular consequence: inframe deletion.
Genome position (GRCh38, 1-based): chr10:102,066,910-102,066,912, AGG deleted; deleting any 3 consecutive bases within chr10:102,066,906-102,066,912 gives the same sequence; the position shown is the placement nearest the transcript's 3' end. VCF-style (leftmost placement, unchanged base first): chr10-102066905-TGAG-T. GRCh37 (hg19) VCF-style: chr10-103826662-TGAG-T.
Other names: short protein forms E479del.
Identifiers: ClinVar variation 1507106 (VCV001507106.6), dbSNP rs776443117, ClinGen allele CA5659981.